The following is an entry in ClinVar:

ClinVar aggregate classification (germline): Uncertain significance. Review status: criteria provided, multiple submitters, no conflicts (2 of 4 stars). 2 submissions from 2 submitters: Uncertain significance (2). Last evaluated 2026-01-21.

Conditions:
Inborn genetic diseases. Identifiers: MedGen C0950123, MeSH D030342.

Allele frequency attached by ClinVar (database versions not stated): gnomAD exomes below 0.00001; TOPMed 0.00001.
gnomAD v4.1: 1 of 1,614,156 alleles (0.000062%); highest among the groups gnomAD compares: Admixed American, 0.0017%; no homozygotes.

Submissions (2):

Ambry Genetics
Classification: Uncertain significance for Inborn genetic diseases. Last evaluated: 2026-01-21. Review status: criteria provided, single submitter. Criteria: Ambry Variant Classification Scheme 2023. Collection method: clinical testing. Allele origin: germline.

Labcorp Genetics (formerly Invitae), Labcorp
Classification: Uncertain significance. Last evaluated: 2023-10-17. Review status: criteria provided, single submitter. Criteria: Invitae Variant Classification Sherloc (09022015). Collection method: clinical testing. Allele origin: germline.
Comment: This sequence change replaces aspartic acid, which is acidic and polar, with valine, which is neutral and non-polar, at codon 1202 of the RP1 protein (p.Asp1202Val). This variant is present in population databases (no rsID available, gnomAD 0.003%). This variant has not been reported in the literature in individuals affected with RP1-related conditions. ClinVar contains an entry for this variant (Variation ID: 1524410). An algorithm developed to predict the effect of missense changes on protein structure and function (PolyPhen-2) suggests that this variant is likely to be disruptive. In summary, the available evidence is currently insufficient to determine the role of this variant in disease. Therefore, it has been classified as a Variant of Uncertain Significance.

NM_006269.2(RP1):c.3605A>T (p.Asp1202Val)

Gene: RP1 (RP1 axonemal microtubule associated; plus strand). Cytogenetic location: 8q12.1.
Variant type: single nucleotide variant.
Coding change: c.3605A>T on transcript NM_006269.2 (MANE Select); coding-DNA position 3605, A replaced by T.
Protein change: p.Asp1202Val; replaces aspartic acid 1202 with valine.
Molecular consequence: missense variant. On other transcripts: intron variant (1).
Genome position (GRCh38, 1-based): chr8:54,627,487, A>T. VCF-style: chr8-54627487-A-T. GRCh37 (hg19) VCF-style: chr8-55540047-A-T.
Other names: c.787+5199A>T (NM_001375654.1); c.3605A>T (NM_006269.1); short protein forms D1202V.
Identifiers: ClinVar variation 1524410 (VCV001524410.10), dbSNP rs1243903242, ClinGen allele CA370996810.